The following is an entry in ClinVar:

NM_000135.4(FANCA):c.4349A>G (p.Gln1450Arg)

Genes: FANCA (FA complementation group A; minus strand), ZNF276 (zinc finger protein 276; plus strand). Cytogenetic location: 16q24.3.
Variant type: single nucleotide variant.
Coding change: c.4349A>G on transcript NM_000135.4 (MANE Select); coding-DNA position 4349, A replaced by G.
Protein change: p.Gln1450Arg; replaces glutamine 1450 with arginine.
Molecular consequence: missense variant. On other transcripts: 3 prime UTR variant (3), non-coding transcript variant (4).
Genome position (GRCh38, 1-based): chr16:89,738,620, T>C on the plus strand (A>G on the coding strand, the complement: FANCA is on the minus strand). VCF-style: chr16-89738620-T-C. GRCh37 (hg19) VCF-style: chr16-89805028-T-C.
Other names: c.*78A>G (NM_001286167.3); c.*374T>C (NM_001113525.2, NM_152287.4); short protein forms Q1450R.
Identifiers: ClinVar variation 1014199 (VCV001014199.7), dbSNP rs757549007, ClinGen allele CA8250562.

ClinVar aggregate classification (germline): Uncertain significance. Review status: criteria provided, multiple submitters, no conflicts (2 of 4 stars). 2 submissions from 2 submitters: Uncertain significance (2). Last evaluated 2026-03-01.

Conditions:
Fanconi anemia (FA). Also called: Fanconi's anemia. Identifiers: Orphanet 84, MedGen C0015625, MeSH D005199, MONDO:0019391.
Inborn genetic diseases. Identifiers: MedGen C0950123, MeSH D030342.

Allele frequency attached by ClinVar (database versions not stated): gnomAD exomes below 0.00001; ExAC 0.00001.
gnomAD v4.1: 2 of 1,613,590 alleles (0.00012%); highest among the groups gnomAD compares: South Asian, 0.0022%; no homozygotes.

Submissions (2):

Ambry Genetics
Classification: Uncertain significance for Inborn genetic diseases. Last evaluated: 2026-03-01. Review status: criteria provided, single submitter. Criteria: Ambry Variant Classification Scheme 2023. Collection method: clinical testing. Allele origin: germline.
Comment: The p.Q1450R variant (also known as c.4349A>G), located in coding exon 43 of the FANCA gene, results from an A to G substitution at nucleotide position 4349. The glutamine at codon 1450 is replaced by arginine, an amino acid with highly similar properties. This amino acid position is conserved. In addition, this alteration is predicted to be tolerated by in silico analysis. Based on the available evidence, the clinical significance of this variant remains unclear.

Labcorp Genetics (formerly Invitae), Labcorp
Classification: Uncertain significance for Fanconi anemia. Last evaluated: 2021-08-24. Review status: criteria provided, single submitter. Criteria: Invitae Variant Classification Sherloc (09022015). Collection method: clinical testing. Allele origin: germline.
Comment: This sequence change replaces glutamine with arginine at codon 1450 of the FANCA protein (p.Gln1450Arg). The glutamine residue is moderately conserved and there is a small physicochemical difference between glutamine and arginine. This variant is present in population databases (rs757549007, ExAC 0.006%). This variant has not been reported in the literature in individuals affected with FANCA-related conditions. Algorithms developed to predict the effect of missense changes on protein structure and function output the following: SIFT: "Tolerated"; PolyPhen-2: "Benign"; Align-GVGD: "Class C0". The arginine amino acid residue is found in multiple mammalian species, which suggests that this missense change does not adversely affect protein function. In summary, the available evidence is currently insufficient to determine the role of this variant in disease. Therefore, it has been classified as a Variant of Uncertain Significance.